The following is an entry in ClinVar:

ClinVar aggregate classification (germline): Pathogenic (1 of 4 stars; one submission).

Conditions:
Hereditary breast ovarian cancer syndrome. Also called: Hereditary breast and ovarian cancer; Hereditary breast and ovarian cancer syndrome (HBOC); Hereditary breast and/or ovarian cancer syndrome; BRCA1- and BRCA2-Associated Hereditary Breast and Ovarian Cancer; Hereditary breast and ovarian cancer syndrome; Breast and ovarian cancer. Identifiers: Orphanet 145, MedGen C0677776, MeSH D061325, MONDO:0003582. Disease mechanism: loss of function.

Submission:

Women's Health and Genetics/Laboratory Corporation of America, LabCorp
Classification: Pathogenic for Hereditary breast ovarian cancer syndrome. Last evaluated: 2021-08-09. Review status: criteria provided, single submitter. Criteria: LabCorp Variant Classification Summary - May 2015. Collection method: clinical testing. Allele origin: germline.
Comment: Variant summary: The variant identified by MLPA or other technology involves the deletion of exon 17 in the BRCA1 gene. A presumed nomenclature of c.(5074+1_5075-1)_(5152+1_5153-1)del has been designated for the purposes of this classification. Although exact breakpoints of this deletion are not known, it is expected to result in a large in-frame deletion change in the BRCA1 gene (predicted protein level effect: p.Asp1692_Trp1718delinsGly). This in-frame deletion is predicted to affect the first BRCT domain (amino acids 1642-1736; IPR001357) that is involved in interactions with phosphorylated partner proteins (PMID: 30257991) and also functions as a transcriptional activation domain (PMID: 30458859). The variant was absent in 21670 control chromosomes (gnomAD, Structural Variants dataset). Deletion of exon 17 (also described as deletion of exon 18 using alternate exon numbering) has been reported in the literature in individuals affected with Hereditary Breast and Ovarian Cancer Syndrome (e.g. Atkas_2010, Maksimenko_2018, Rebbeck_2018, van der Merwe_2020). These data indicate that the variant is likely to be associated with disease. To our knowledge, no experimental evidence demonstrating an impact on protein function has been reported. A ClinVar submitter cites the variant as pathogenic. Based on the evidence outlined above, the variant was classified as pathogenic.

Literature cited by the submitters: PubMed 20638108; PubMed 29446198; PubMed 29928469; PubMed 32375709.

NC_000017.10:g.(41215391_41215890)_(41215969_41219624)del

Gene: BRCA1 (BRCA1 DNA repair associated; minus strand). Cytogenetic location: 17q21.31.
Variant type: Deletion.
Identifiers: ClinVar variation 1217296 (VCV001217296.1).